The following is an entry in ClinVar:

ClinVar aggregate classification (germline): Likely benign (1 of 4 stars; one submission).

Submission:

CeGaT Center for Human Genetics Tuebingen
Classification: Likely benign. Last evaluated: 2022-04-01. Review status: criteria provided, single submitter. Criteria: CeGaT Center For Human Genetics Tuebingen Variant Classification Criteria Version 2. Collection method: clinical testing. Allele origin: germline. Affected: yes. Observed: 1 variant allele.
Comment: KIF11: PM2:Supporting, BP4, BP7

NM_004523.4(KIF11):c.3054T>C (p.His1018=)

Gene: KIF11 (kinesin family member 11; plus strand). Cytogenetic location: 10q23.33.
Variant type: single nucleotide variant.
Coding change: c.3054T>C on transcript NM_004523.4 (MANE Select); coding-DNA position 3054, T replaced by C.
Protein change: p.His1018=; no amino-acid change (histidine 1018 retained).
Molecular consequence: synonymous variant.
Genome position (GRCh38, 1-based): chr10:92,653,679, T>C. VCF-style: chr10-92653679-T-C. GRCh37 (hg19) VCF-style: chr10-94413436-T-C.
Identifiers: ClinVar variation 2640679 (VCV002640679.24), dbSNP rs2492549267, ClinGen allele CA470943629.